The following is an entry in ClinVar:

NM_001277115.2(DNAH11):c.3141G>C (p.Glu1047Asp)

Genes: DNAH11 (dynein axonemal heavy chain 11; plus strand), LOC126859961 (BRD4-independent group 4 enhancer GRCh37_chr7:21639662-21640861; plus strand). Cytogenetic location: 7p15.3.
Variant type: single nucleotide variant.
Coding change: c.3141G>C on transcript NM_001277115.2 (MANE Select); coding-DNA position 3141, G replaced by C.
Protein change: p.Glu1047Asp; replaces glutamic acid 1047 with aspartic acid.
Molecular consequence: missense variant.
Genome position (GRCh38, 1-based): chr7:21,600,816, G>C. VCF-style: chr7-21600816-G-C. GRCh37 (hg19) VCF-style: chr7-21640434-G-C.
Other names: c.3141G>C, p.Glu1047Asp (NM_003777.3); short protein forms E1047D.
Identifiers: ClinVar variation 1728099 (VCV001728099.4), dbSNP rs1049088648, ClinGen allele CA155087800.
Genomic context (GRCh38, chr7:21,600,816, plus strand): 5'-CTTAGATTTCAGAAACACCCTGGAGACCCACACTTACCTCTGGGTGGATGATCGAGCTGA[G>C]TTTATGAAGCATTTTCTCTTGTATGGCCATGCTGTGTCTTCCGATGAAATGGATGCTCAT-3'
Protein context (NP_001264044.1, residues 1037-1057): HTYLWVDDRA[Glu1047Asp]FMKHFLLYGH

ClinVar aggregate classification (germline): Uncertain significance. Review status: criteria provided, multiple submitters, no conflicts (2 of 4 stars). 2 submissions from 2 submitters: Uncertain significance (2). Last evaluated 2024-12-26.

Conditions:
Primary ciliary dyskinesia. Also called: Ciliary dyskinesia. Identifiers: Orphanet 244, MedGen C0008780, MONDO:0016575, HP:0012265.

Allele frequency attached by ClinVar (database versions not stated): gnomAD exomes below 0.00001; TOPMed 0.00001.
gnomAD v4.1: 2 of 1,613,902 alleles (0.00012%); highest among the groups gnomAD compares: Admixed American, 0.0017%; no homozygotes.

Submissions (2):

Labcorp Genetics (formerly Invitae), Labcorp
Classification: Uncertain significance for Primary ciliary dyskinesia. Last evaluated: 2024-12-26. Review status: criteria provided, single submitter. Criteria: Invitae Variant Classification Sherloc (09022015). Collection method: clinical testing. Allele origin: germline.
Comment: This sequence change replaces glutamic acid, which is acidic and polar, with aspartic acid, which is acidic and polar, at codon 1047 of the DNAH11 protein (p.Glu1047Asp). This variant is not present in population databases (gnomAD no frequency). This variant has not been reported in the literature in individuals affected with DNAH11-related conditions. ClinVar contains an entry for this variant (Variation ID: 1728099). Invitae Evidence Modeling of protein sequence and biophysical properties (such as structural, functional, and spatial information, amino acid conservation, physicochemical variation, residue mobility, and thermodynamic stability) indicates that this missense variant is not expected to disrupt DNAH11 protein function with a negative predictive value of 95%. In summary, the available evidence is currently insufficient to determine the role of this variant in disease. Therefore, it has been classified as a Variant of Uncertain Significance.

Ambry Genetics
Classification: Uncertain significance for Primary ciliary dyskinesia. Last evaluated: 2022-04-23. Review status: criteria provided, single submitter. Criteria: Ambry Variant Classification Scheme 2023. Collection method: clinical testing. Allele origin: germline.
Comment: The p.E1047D variant (also known as c.3141G>C), located in coding exon 16 of the DNAH11 gene, results from a G to C substitution at nucleotide position 3141. The glutamic acid at codon 1047 is replaced by aspartic acid, an amino acid with highly similar properties. This amino acid position is conserved. In addition, this alteration is predicted to be tolerated by in silico analysis. Since supporting evidence is limited at this time, the clinical significance of this alteration remains unclear.